The following is an entry in ClinVar:

NM_000532.5(PCCB):c.1568C>T (p.Ala523Val)

Gene: PCCB (propionyl-CoA carboxylase subunit beta; plus strand). Cytogenetic location: 3q22.3.
Variant type: single nucleotide variant.
Coding change: c.1568C>T on transcript NM_000532.5 (MANE Select); coding-DNA position 1568, C replaced by T.
Protein change: p.Ala523Val; replaces alanine 523 with valine.
Molecular consequence: missense variant.
Genome position (GRCh38, 1-based): chr3:136,329,974, C>T. VCF-style: chr3-136329974-C-T. GRCh37 (hg19) VCF-style: chr3-136048816-C-T.
Other names: c.1628C>T, p.Ala543Val (NM_001178014.2); short protein forms A523V, A543V.
Identifiers: ClinVar variation 2909567 (VCV002909567.3), dbSNP rs754801178, ClinGen allele CA2632238.

ClinVar aggregate classification (germline): Uncertain significance (1 of 4 stars; one submission).

Conditions:
Propionic acidemia (PROP). Also called: GLYCINEMIA, KETOTIC; HYPERGLYCINEMIA WITH KETOACIDOSIS AND LEUKOPENIA; KETOTIC HYPERGLYCINEMIA. Identifiers: Orphanet 35, MedGen C0268579, MONDO:0011628, OMIM 606054, HP:0003571.

Allele frequency attached by ClinVar (database versions not stated): gnomAD exomes below 0.00001; ExAC 0.00001; gnomAD 0.00001; TOPMed 0.00001.
gnomAD v4.1: 3 of 1,613,938 alleles (0.00019%); highest among the groups gnomAD compares: African/African-American, 0.0027%; no homozygotes.

Submission:

Labcorp Genetics (formerly Invitae), Labcorp
Classification: Uncertain significance for Propionic acidemia. Last evaluated: 2023-04-20. Review status: criteria provided, single submitter. Criteria: Invitae Variant Classification Sherloc (09022015). Collection method: clinical testing. Allele origin: germline.
Comment: This variant is present in population databases (rs754801178, gnomAD 0.0009%). In summary, the available evidence is currently insufficient to determine the role of this variant in disease. Therefore, it has been classified as a Variant of Uncertain Significance. Algorithms developed to predict the effect of missense changes on protein structure and function output the following: SIFT: "Not Available"; PolyPhen-2: "Benign"; Align-GVGD: "Not Available". The valine amino acid residue is found in multiple mammalian species, which suggests that this missense change does not adversely affect protein function. This variant has not been reported in the literature in individuals affected with PCCB-related conditions. This sequence change replaces alanine, which is neutral and non-polar, with valine, which is neutral and non-polar, at codon 523 of the PCCB protein (p.Ala523Val).